The following is an entry in ClinVar:

NM_000018.4(ACADVL):c.266del (p.Pro89fs)

Gene: ACADVL (acyl-CoA dehydrogenase very long chain; plus strand). Cytogenetic location: 17p13.1.
Variant type: Deletion.
Coding change: c.266del on transcript NM_000018.4 (MANE Select); coding-DNA position 266, one base deleted (C; older notation c.266delC).
Protein change: p.Pro89fs; shifts the reading frame from proline 89.
Molecular consequence: frameshift variant.
Genome position (GRCh38, 1-based): chr17:7,220,665, C deleted; the last of 3 consecutive C bases (chr17:7,220,663-7,220,665); deleting any one gives the same sequence. VCF-style (leftmost placement, unchanged base first): chr17-7220662-TC-T. GRCh37 (hg19) VCF-style: chr17-7123981-TC-T.
Other names: NM_000018.4(ACADVL):c.266del; p.Pro89fs; c.200del, p.Pro67fs (NM_001033859.3); c.335del, p.Pro112fs (NM_001270447.2); c.38del, p.Pro13fs (NM_001270448.2); short protein forms P89fs, P112fs, P13fs, P67fs.
Identifiers: ClinVar variation 552361 (VCV000552361.15), dbSNP rs771808680, ClinGen allele CA8337611.

ClinVar aggregate classification (germline): Likely pathogenic. Review status: reviewed by expert panel (3 of 4 stars). 6 submissions from 6 submitters: Likely pathogenic (1). 5 of the submissions do not count toward it. Last evaluated 2022-04-06.

Conditions:
Very long chain acyl-CoA dehydrogenase deficiency (ACADVLD). Also called: Very Long-Chain Acyl-Coenzyme A Dehydrogenase Deficiency; VLCAD Deficiency. Identifiers: Orphanet 26793, MedGen C3887523, MONDO:0008723, OMIM 201475.

Submissions (6):

ClinGen ACADVL Variant Curation Expert Panel, ClinGen
Classification: Likely pathogenic for Very long chain acyl-CoA dehydrogenase deficiency. Last evaluated: 2022-04-06. Review status: reviewed by expert panel. Criteria: clingen acadvl acmg specifications v1. Collection method: curation. Allele origin: germline. Inheritance: Autosomal recessive inheritance.
Comment: The c.266del variant in ACADVL is a frameshift predicted to cause a premature stop codon in biologically relevant exon 4/20 leading to nonsense mediated decay in a gene in which loss-of-function is an established disease mechanism (PVS1: PMIDs 9973285, 11590124). The variant has been identified in at least one individual identified by abnormal newborn screening results suggestive of very long-chain acyl-CoA dehydrogenase (VLCAD) deficiency without an additional ACADVL variant identified or follow-up plasma acylcarnitines (PMID: 26385305). The highest population minor allele frequency in gnomAD v2.1.1 is 0.00005437 in East Asian population, which is lower than the ClinGen ACADVL Variant Curation Expert Panel threshold (<0.001) for PM2_Supporting, meeting this criterion (PM2_Supporting). To our knowledge, functional assays have not been reported for this variant. In summary, this variant meets the criteria to be classified as LIKELY PATHOGENIC for autosomal recessive very long chain acyl-CoA dehydrogenase (VLCAD) deficiency based on the ACMG/AMP criteria applied, as specified by the ClinGen ACADVL Variant Curation Expert Panel: PVS1, PM2_Supporting (ACADVL VCEP specifications v2.0; Approved on 12/14/2021).

Fulgent Genetics
Classification: Pathogenic for Very long chain acyl-CoA dehydrogenase deficiency. Last evaluated: 2024-05-25. Review status: criteria provided, single submitter. Criteria: ACMG Guidelines, 2015. Collection method: clinical testing. Allele origin: germline. Not counted in ClinVar's aggregate classification.

Baylor Genetics
Classification: Pathogenic for Very long chain acyl-CoA dehydrogenase deficiency. Last evaluated: 2023-06-24. Review status: criteria provided, single submitter. Criteria: ACMG Guidelines, 2015. Collection method: clinical testing. Allele origin: unknown. Not counted in ClinVar's aggregate classification.

Labcorp Genetics (formerly Invitae), Labcorp
Classification: Pathogenic for Very long chain acyl-CoA dehydrogenase deficiency. Last evaluated: 2023-04-06. Review status: criteria provided, single submitter. Criteria: Invitae Variant Classification Sherloc (09022015). Collection method: clinical testing. Allele origin: germline. Not counted in ClinVar's aggregate classification.
Comment: This premature translational stop signal has been observed in individual(s) with newborn screening results suggestive of very long chain acyl-coA dehydrogenase deficiency (PMID: 26385305). ClinVar contains an entry for this variant (Variation ID: 552361). For these reasons, this variant has been classified as Pathogenic. This sequence change creates a premature translational stop signal (p.Pro89Hisfs*28) in the ACADVL gene. It is expected to result in an absent or disrupted protein product. Loss-of-function variants in ACADVL are known to be pathogenic (PMID: 9973285, 11590124). This variant is present in population databases (rs771808680, gnomAD 0.006%).

Wong Mito Lab, Molecular and Human Genetics, Baylor College of Medicine
Classification: Pathogenic for Very long chain acyl-CoA dehydrogenase deficiency. Last evaluated: 2019-11-01. Review status: criteria provided, single submitter. Criteria: ACMG Guidelines, 2015. Collection method: clinical testing. Allele origin: germline. Not counted in ClinVar's aggregate classification.
Comment: The NM_000018.3:c.266delC (NP_000009.1:p.Pro89HisfsTer28) [GRCH38: NC_000017.11:g.7220665del] variant in ACADVL gene is interpretated to be Pathogenic based on ACMG guidelines (PMID: 25741868). This variant has been reported. This variant meets the following evidence codes reported in the ACMG guidelines: PVS1, PS3

Counsyl
Classification: Likely pathogenic for Very long chain acyl-CoA dehydrogenase deficiency. Last evaluated: 2017-06-21. Review status: no assertion criteria provided. Collection method: clinical testing. Allele origin: unknown. Not counted in ClinVar's aggregate classification.

Literature cited by the submitters: PubMed 26385305 (cited by Labcorp Genetics (formerly Invitae), Labcorp and Counsyl); PubMed 9973285 (cited by Labcorp Genetics (formerly Invitae), Labcorp); PubMed 11590124 (cited by Labcorp Genetics (formerly Invitae), Labcorp); PubMed 26453363 (cited by Counsyl).